The following is an entry in ClinVar:

NM_020207.7(ERCC6L2):c.1431G>T (p.Arg477Ser)

Gene: ERCC6L2 (ERCC excision repair 6 like 2; plus strand). Cytogenetic location: 9q22.32.
Variant type: single nucleotide variant.
Coding change: c.1431G>T on transcript NM_020207.7 (MANE Select); coding-DNA position 1431, G replaced by T.
Protein change: p.Arg477Ser; replaces arginine 477 with serine.
Molecular consequence: missense variant. On other transcripts: non-coding transcript variant (1).
Genome position (GRCh38, 1-based): chr9:95,923,277, G>T. VCF-style: chr9-95923277-G-T. GRCh37 (hg19) VCF-style: chr9-98685559-G-T.
Other names: c.1431G>T, p.Arg477Ser (NM_001010895.4, NM_001375291.1, NM_001375292.1 and 2 more transcripts); short protein forms R477S.
Identifiers: ClinVar variation 4250588 (VCV004250588.1).

ClinVar aggregate classification (germline): Uncertain significance (1 of 4 stars; one submission).

Conditions:
Inborn genetic diseases. Identifiers: MedGen C0950123, MeSH D030342.

Submission:

Ambry Genetics
Classification: Uncertain significance for Inborn genetic diseases. Last evaluated: 2025-07-18. Review status: criteria provided, single submitter. Criteria: Ambry Variant Classification Scheme 2023. Collection method: clinical testing. Allele origin: germline.
Comment: The p.R477S variant (also known as c.1431G>T), located in coding exon 9 of the ERCC6L2 gene, results from a G to T substitution at nucleotide position 1431. The arginine at codon 477 is replaced by serine, an amino acid with dissimilar properties. This amino acid position is conserved. In addition, the in silico prediction for this alteration is inconclusive. Based on the available evidence, the clinical significance of this variant remains unclear.